The following is an entry in ClinVar:

ClinVar aggregate classification (germline): Uncertain significance (1 of 4 stars; one submission).

Submission:

CeGaT Center for Human Genetics Tuebingen
Classification: Uncertain significance. Last evaluated: 2025-12-01. Review status: criteria provided, single submitter. Criteria: CeGaT Center For Human Genetics Tuebingen Variant Classification Criteria Version 2. Collection method: clinical testing. Allele origin: germline. Affected: yes. Observed: 2 variant alleles.
Comment: HS6ST1: PM2, PP2

NM_004807.3(HS6ST1):c.382T>C (p.Tyr128His)

Gene: HS6ST1 (heparan sulfate 6-O-sulfotransferase 1; minus strand). Cytogenetic location: 2q14.3.
Variant type: single nucleotide variant.
Coding change: c.382T>C on transcript NM_004807.3 (MANE Select); coding-DNA position 382, T replaced by C.
Protein change: p.Tyr128His; replaces tyrosine 128 with histidine.
Molecular consequence: missense variant.
Genome position (GRCh38, 1-based): chr2:128,318,182, A>G on the plus strand (T>C on the coding strand, the complement: HS6ST1 is on the minus strand). VCF-style: chr2-128318182-A-G. GRCh37 (hg19) VCF-style: chr2-129075756-A-G.
Other names: short protein forms Y128H.
Identifiers: ClinVar variation 4535088 (VCV004535088.6).